The following is an entry in ClinVar:

ClinVar aggregate classification (germline): Uncertain significance (1 of 4 stars; one submission).

Submission:

GeneDx
Classification: Uncertain significance. Last evaluated: 2023-07-13. Review status: criteria provided, single submitter. Criteria: GeneDx Variant Classification Process June 2021. Collection method: clinical testing. Allele origin: germline. Affected: yes.
Comment: Not observed at significant frequency in large population cohorts (gnomAD); In silico analysis supports that this missense variant has a deleterious effect on protein structure/function; Has not been previously published as pathogenic or benign to our knowledge

NM_002471.4(MYH6):c.3278A>T (p.Asn1093Ile)

Gene: MYH6 (myosin heavy chain 6; minus strand). Cytogenetic location: 14q11.2.
Variant type: single nucleotide variant.
Coding change: c.3278A>T on transcript NM_002471.4 (MANE Select); coding-DNA position 3278, A replaced by T.
Protein change: p.Asn1093Ile; replaces asparagine 1093 with isoleucine.
Molecular consequence: missense variant.
Genome position (GRCh38, 1-based): chr14:23,392,626, T>A on the plus strand (A>T on the coding strand, the complement: MYH6 is on the minus strand). VCF-style: chr14-23392626-T-A. GRCh37 (hg19) VCF-style: chr14-23861835-T-A.
Other names: short protein forms N1093I.
Identifiers: ClinVar variation 3361173 (VCV003361173.1).